The following is an entry in ClinVar:

ClinVar aggregate classification (germline): Uncertain significance. Review status: criteria provided, multiple submitters, no conflicts (2 of 4 stars). 3 submissions from 3 submitters: Uncertain significance (3). Last evaluated 2025-03-31.

Conditions:
Cardiovascular phenotype. Identifiers: MedGen CN230736.

Allele frequency attached by ClinVar (database versions not stated): TOPMed 0.00001; gnomAD exomes 0.00001; gnomAD 0.00003.
gnomAD v4.1: 64 of 1,524,930 alleles (0.0042%); highest among the groups gnomAD compares: Non-Finnish European, 0.0053%; no homozygotes.

Submissions (3):

Ambry Genetics
Classification: Uncertain significance for Cardiovascular phenotype. Last evaluated: 2025-03-31. Review status: criteria provided, single submitter. Criteria: Ambry Variant Classification Scheme 2023. Collection method: clinical testing. Allele origin: germline.

GeneDx
Classification: Uncertain significance. Last evaluated: 2024-11-26. Review status: criteria provided, single submitter. Criteria: GeneDx Variant Classification Process June 2021. Collection method: clinical testing. Allele origin: germline. Affected: yes.
Comment: Not observed at significant frequency in large population cohorts (gnomAD); In silico analysis indicates that this missense variant does not alter protein structure/function; Has not been previously published as pathogenic or benign to our knowledge

Labcorp Genetics (formerly Invitae), Labcorp
Classification: Uncertain significance. Last evaluated: 2022-06-11. Review status: criteria provided, single submitter. Criteria: Invitae Variant Classification Sherloc (09022015). Collection method: clinical testing. Allele origin: germline.
Comment: This sequence change replaces serine, which is neutral and polar, with tyrosine, which is neutral and polar, at codon 928 of the ZNF469 protein (p.Ser928Tyr). The frequency data for this variant in the population databases is considered unreliable, as metrics indicate poor data quality at this position in the gnomAD database. This variant has not been reported in the literature in individuals affected with ZNF469-related conditions. ClinVar contains an entry for this variant (Variation ID: 1305835). Algorithms developed to predict the effect of missense changes on protein structure and function are either unavailable or do not agree on the potential impact of this missense change (SIFT: "Deleterious"; PolyPhen-2: "Probably Damaging"; Align-GVGD: "Class C0"). In summary, the available evidence is currently insufficient to determine the role of this variant in disease. Therefore, it has been classified as a Variant of Uncertain Significance.

NM_001367624.2(ZNF469):c.2783C>A (p.Ser928Tyr)

Gene: ZNF469 (zinc finger protein 469; plus strand). Cytogenetic location: 16q24.2.
Variant type: single nucleotide variant.
Coding change: c.2783C>A on transcript NM_001367624.2 (MANE Select); coding-DNA position 2783, C replaced by A.
Protein change: p.Ser928Tyr; replaces serine 928 with tyrosine.
Molecular consequence: missense variant.
Genome position (GRCh38, 1-based): chr16:88,430,253, C>A. VCF-style: chr16-88430253-C-A. GRCh37 (hg19) VCF-style: chr16-88496661-C-A.
Other names: NM_001127464.1:c.2783C>A; short protein forms S928Y.
Identifiers: ClinVar variation 1305835 (VCV001305835.7), dbSNP rs1342047498, ClinGen allele CA397075470.
Genomic context (GRCh38, chr16:88,430,253, plus strand): 5'-CCCAAACCCCCCGCCCTGGGGACAGGGGCTGCCCAGCCCGAGGCAGGCCCAAAACGCGTT[C>A]CCTGGGTCTGGCCCCCACCGAGGCGGATGCGCCCAGCCAGGGCAGGCAGCAGAGGAGGGG-3'
Protein context (NP_001354553.1, residues 918-938): CPARGRPKTR[Ser928Tyr]LGLAPTEADA